The following is an entry in ClinVar:

NM_020070.4(IGLL1):c.460A>T (p.Thr154Ser)

Gene: IGLL1 (immunoglobulin lambda like polypeptide 1; minus strand). Cytogenetic location: 22q11.23.
Variant type: single nucleotide variant.
Coding change: c.460A>T on transcript NM_020070.4 (MANE Select); coding-DNA position 460, A replaced by T.
Protein change: p.Thr154Ser; replaces threonine 154 with serine.
Molecular consequence: missense variant. On other transcripts: 3 prime UTR variant (1).
Genome position (GRCh38, 1-based): chr22:23,573,448, T>A on the plus strand (A>T on the coding strand, the complement: IGLL1 is on the minus strand). VCF-style: chr22-23573448-T-A. GRCh37 (hg19) VCF-style: chr22-23915635-T-A.
Other names: c.463A>T, p.Thr155Ser (NM_001369906.1); c.*89A>T (NM_152855.3); short protein forms T154S, T155S.
Identifiers: ClinVar variation 664104 (VCV000664104.8), dbSNP rs1602287119, ClinGen allele CA410898700.

ClinVar aggregate classification (germline): Uncertain significance (1 of 4 stars; one submission).

Conditions:
Agammaglobulinemia 2, autosomal recessive (AGM2). Also called: AGAMMAGLOBULINEMIA, AUTOSOMAL RECESSIVE, DUE TO IGLL1 DEFECT. Identifiers: MedGen C3150750, MONDO:0013287, OMIM 613500.

Allele frequency attached by ClinVar (database versions not stated): gnomAD exomes below 0.00001.

Submission:

Labcorp Genetics (formerly Invitae), Labcorp
Classification: Uncertain significance for Agammaglobulinemia 2, autosomal recessive. Last evaluated: 2022-07-11. Review status: criteria provided, single submitter. Criteria: Invitae Variant Classification Sherloc (09022015). Collection method: clinical testing. Allele origin: germline.
Comment: This variant is not present in population databases (gnomAD no frequency). This sequence change replaces threonine, which is neutral and polar, with serine, which is neutral and polar, at codon 154 of the IGLL1 protein (p.Thr154Ser). This variant has not been reported in the literature in individuals affected with IGLL1-related conditions. ClinVar contains an entry for this variant (Variation ID: 664104). Algorithms developed to predict the effect of missense changes on protein structure and function output the following: SIFT: "Tolerated"; PolyPhen-2: "Benign"; Align-GVGD: "Class C0". The serine amino acid residue is found in multiple mammalian species, which suggests that this missense change does not adversely affect protein function. In summary, the available evidence is currently insufficient to determine the role of this variant in disease. Therefore, it has been classified as a Variant of Uncertain Significance.